The following is an entry in ClinVar:

ClinVar aggregate classification (germline): Uncertain significance. Review status: criteria provided, multiple submitters, no conflicts (2 of 4 stars). 3 submissions from 3 submitters: Uncertain significance (3). Last evaluated 2026-01-15.

Conditions:
Hereditary cancer-predisposing syndrome. Also called: Tumor predisposition; Hereditary neoplastic syndrome; Neoplastic Syndromes, Hereditary; Hereditary Cancer Syndrome. Identifiers: Orphanet 140162, MedGen C0027672, MeSH D009386, MONDO:0015356.
Mitochondrial complex II deficiency, nuclear type 1. Also called: SUCCINATE CoQ REDUCTASE DEFICIENCY. Identifiers: Orphanet 3208, MedGen C5700310, MONDO:0100294, OMIM 252011.
Pheochromocytoma/paraganglioma syndrome 5. Also called: Paragangliomas 5; SDHA-Related Hereditary Paraganglioma-Pheochromocytoma Syndrome. Identifiers: Orphanet 29072, MedGen C3279992, MONDO:0013602, OMIM 614165.
Dilated cardiomyopathy 1GG (CMD1GG). Identifiers: Orphanet 154, MedGen C3150898, MONDO:0013339, OMIM 613642.

Submissions (3):

Labcorp Genetics (formerly Invitae), Labcorp
Classification: Uncertain significance for Pheochromocytoma/paraganglioma syndrome 5; Mitochondrial complex II deficiency, nuclear type 1. Last evaluated: 2026-01-15. Review status: criteria provided, single submitter. Criteria: Invitae Variant Classification Sherloc (09022015). Collection method: clinical testing. Allele origin: germline.
Comment: This sequence change replaces glutamic acid, which is acidic and polar, with glycine, which is neutral and non-polar, at codon 314 of the SDHA protein (p.Glu314Gly). This variant is not present in population databases (gnomAD no frequency). This variant has not been reported in the literature in individuals affected with SDHA-related conditions. ClinVar contains an entry for this variant (Variation ID: 1003359). Invitae Evidence Modeling of protein sequence and biophysical properties (such as structural, functional, and spatial information, amino acid conservation, physicochemical variation, residue mobility, and thermodynamic stability) has been performed for this missense variant. However, the output from this modeling did not meet the statistical confidence thresholds required to predict the impact of this variant on SDHA protein function. In summary, the available evidence is currently insufficient to determine the role of this variant in disease. Therefore, it has been classified as a Variant of Uncertain Significance.

Ambry Genetics
Classification: Uncertain significance for Hereditary cancer-predisposing syndrome. Last evaluated: 2025-10-22. Review status: criteria provided, single submitter. Criteria: Ambry Variant Classification Scheme 2023. Collection method: clinical testing. Allele origin: germline.
Comment: The p.E314G variant (also known as c.941A>G), located in coding exon 8 of the SDHA gene, results from an A to G substitution at nucleotide position 941. The glutamic acid at codon 314 is replaced by glycine, an amino acid with similar properties. Other variant(s) at the same codon, p.E314K (c.940G>A), have been identified in individual(s) with features consistent with SDHA-related hereditary pheochromocytoma-paraganglioma (Ambry internal data). This amino acid position is highly conserved in available vertebrate species. In addition, this alteration is predicted to be deleterious by in silico analysis. Based on the available evidence, the clinical significance of this variant remains unclear.

Baylor Genetics
Classification: Uncertain significance for Dilated cardiomyopathy 1GG. Last evaluated: 2023-10-10. Review status: criteria provided, single submitter. Criteria: ACMG Guidelines, 2015. Collection method: clinical testing. Allele origin: unknown.

NM_004168.4(SDHA):c.941A>G (p.Glu314Gly)

Gene: SDHA (succinate dehydrogenase complex flavoprotein subunit A; plus strand). Cytogenetic location: 5p15.33.
Variant type: single nucleotide variant.
Coding change: c.941A>G on transcript NM_004168.4 (MANE Select); coding-DNA position 941, A replaced by G.
Protein change: p.Glu314Gly; replaces glutamic acid 314 with glycine.
Molecular consequence: missense variant.
Genome position (GRCh38, 1-based): chr5:233,522, A>G. VCF-style: chr5-233522-A-G. GRCh37 (hg19) VCF-style: chr5-233637-A-G.
Other names: c.797A>G, p.Glu266Gly (NM_001294332.2); c.941A>G, p.Glu314Gly (NM_001330758.2); c.941A>G (NM_004168.2); short protein forms E266G, E314G.
Identifiers: ClinVar variation 1003359 (VCV001003359.11), dbSNP rs1735550179, ClinGen allele CA359012626.